The following is an entry in ClinVar:

NM_001018005.2(TPM1):c.73G>A (p.Ala25Thr)

Gene: TPM1 (tropomyosin 1; plus strand). Cytogenetic location: 15q22.2.
Variant type: single nucleotide variant.
Coding change: c.73G>A on transcript NM_001018005.2 (MANE Select); coding-DNA position 73, G replaced by A.
Protein change: p.Ala25Thr; replaces alanine 25 with threonine.
Molecular consequence: missense variant. On other transcripts: non-coding transcript variant (11).
Genome position (GRCh38, 1-based): chr15:63,042,902, G>A. VCF-style: chr15-63042902-G-A. GRCh37 (hg19) VCF-style: chr15-63335101-G-A.
Other names: c.73G>A, p.Ala25Thr (NM_000366.6, NM_001018004.2, NM_001018006.2 and 24 more transcripts); short protein forms A25T.
Identifiers: ClinVar variation 5037826 (VCV005037826.1), dbSNP rs2542412556.
Genomic context (GRCh38, chr15:63,042,902, plus strand): 5'-AAGAAGAAGATGCAGATGCTGAAGCTCGACAAGGAGAACGCCTTGGATCGAGCTGAGCAG[G>A]CGGAGGCCGACAAGAAGGCGGCGGAAGACAGGAGCAAGCAGGTCTGCGCCTCCCCGGCCC-3'
Protein context (NP_001018005.1, residues 15-35): KENALDRAEQ[Ala25Thr]EADKKAAEDR

ClinVar aggregate classification (germline): Uncertain significance (1 of 4 stars; one submission).

Conditions:
Cardiovascular phenotype. Identifiers: MedGen CN230736.

gnomAD v4.1: 1 of 1,611,590 alleles (0.000062%); highest among the groups gnomAD compares: Non-Finnish European, 0.000085%; no homozygotes.

Submission:

Molecular Diagnostic Laboratory for Inherited Cardiovascular Disease, Montreal Heart Institute
Classification: Uncertain significance for Cardiovascular phenotype. Last evaluated: 2026-09-21. Review status: criteria provided, single submitter. Criteria: ACMG Guidelines, 2015. Collection method: clinical testing. Allele origin: germline. Affected: yes.
Comment: PS4_supp, PM2, PP2